The following is an entry in ClinVar:

NM_003802.3(MYH13):c.3897G>T (p.Glu1299Asp)

Gene: MYH13 (myosin heavy chain 13; minus strand). Cytogenetic location: 17p13.1.
Variant type: single nucleotide variant.
Coding change: c.3897G>T on transcript NM_003802.3 (MANE Select); coding-DNA position 3897, G replaced by T.
Protein change: p.Glu1299Asp; replaces glutamic acid 1299 with aspartic acid.
Molecular consequence: missense variant.
Genome position (GRCh38, 1-based): chr17:10,315,780, C>A on the plus strand (G>T on the coding strand, the complement: MYH13 is on the minus strand). VCF-style: chr17-10315780-C-A. GRCh37 (hg19) VCF-style: chr17-10219097-C-A.
Other names: short protein forms E1299D.
Identifiers: ClinVar variation 2647468 (VCV002647468.24), dbSNP rs72814731, ClinGen allele CA8385634.

ClinVar aggregate classification (germline): Likely benign (1 of 4 stars; one submission).

Allele frequency attached by ClinVar (database versions not stated): TOPMed 0.00345; 1000 Genomes Project 0.00359; 1000 Genomes Project 30x 0.00390; ESP Exome Variant Server 0.00532; gnomAD 0.00887; ExAC 0.01028.
gnomAD v4.1: 12,135 of 1,613,926 alleles (0.75%); highest among the groups gnomAD compares: Non-Finnish European, 0.59%; 159 homozygotes.

Submission:

CeGaT Center for Human Genetics Tuebingen
Classification: Likely benign. Last evaluated: 2023-04-01. Review status: criteria provided, single submitter. Criteria: CeGaT Center For Human Genetics Tuebingen Variant Classification Criteria Version 2. Collection method: clinical testing. Allele origin: germline. Affected: yes. Observed: 2 variant alleles.
Comment: MYH13: BP4, BS2